The following is an entry in ClinVar:

NM_004304.5(ALK):c.2374A>G (p.Lys792Glu)

Gene: ALK (ALK receptor tyrosine kinase; minus strand). Cytogenetic location: 2p23.2.
Variant type: single nucleotide variant.
Coding change: c.2374A>G on transcript NM_004304.5 (MANE Select); coding-DNA position 2374, A replaced by G.
Protein change: p.Lys792Glu; replaces lysine 792 with glutamic acid.
Molecular consequence: missense variant.
Genome position (GRCh38, 1-based): chr2:29,233,678, T>C on the plus strand (A>G on the coding strand, the complement: ALK is on the minus strand). VCF-style: chr2-29233678-T-C. GRCh37 (hg19) VCF-style: chr2-29456544-T-C.
Other names: short protein forms K792E.
Identifiers: ClinVar variation 656562 (VCV000656562.11), dbSNP rs950513733, ClinGen allele CA44639281.
Genomic context (GRCh38, chr2:29,233,678, plus strand): 5'-GCACGCTTCTGTTCACACGGATTTCTTCTTCTATCACATTGTTCTCTCCAATGCAGACTT[T>C]CTGGATTAACTGGTTTGTCTGTAGAAACAAAAAGCACGTTAGGTTTGTGGCCAAACCAGA-3'
Protein context (NP_004295.2, residues 782-802): ACPSTNQLIQ[Lys792Glu]VCIGENNVIE

ClinVar aggregate classification (germline): Uncertain significance. Review status: criteria provided, multiple submitters, no conflicts (2 of 4 stars). 2 submissions from 2 submitters: Uncertain significance (2). Last evaluated 2025-12-11.

Conditions:
Neuroblastoma, susceptibility to, 3. Also called: ALK-Related Neuroblastic Tumor Susceptibility. Identifiers: Orphanet 635, MedGen C2751681, MONDO:0013083, OMIM 613014.
Hereditary cancer-predisposing syndrome. Also called: Neoplastic Syndromes, Hereditary; Hereditary neoplastic syndrome; Hereditary Cancer Syndrome; Tumor predisposition. Identifiers: Orphanet 140162, MedGen C0027672, MeSH D009386, MONDO:0015356.

Allele frequency attached by ClinVar (database versions not stated): gnomAD exomes below 0.00001.
gnomAD v4.1: 1 of 1,614,236 alleles (0.000062%); highest among the groups gnomAD compares: Non-Finnish European, 0.000085%; no homozygotes.

Submissions (2):

Ambry Genetics
Classification: Uncertain significance for Hereditary cancer-predisposing syndrome. Last evaluated: 2025-12-11. Review status: criteria provided, single submitter. Criteria: Ambry Variant Classification Scheme 2023. Collection method: clinical testing. Allele origin: germline.
Comment: The p.K792E variant (also known as c.2374A>G), located in coding exon 14 of the ALK gene, results from an A to G substitution at nucleotide position 2374. The lysine at codon 792 is replaced by glutamic acid, an amino acid with similar properties. This amino acid position is conserved. In addition, the in silico prediction for this alteration is inconclusive. Since supporting evidence is limited at this time, the clinical significance of this alteration remains unclear.

Labcorp Genetics (formerly Invitae), Labcorp
Classification: Uncertain significance for Neuroblastoma, susceptibility to, 3. Last evaluated: 2023-11-10. Review status: criteria provided, single submitter. Criteria: Invitae Variant Classification Sherloc (09022015). Collection method: clinical testing. Allele origin: germline.
Comment: This sequence change replaces lysine, which is basic and polar, with glutamic acid, which is acidic and polar, at codon 792 of the ALK protein (p.Lys792Glu). This variant is not present in population databases (gnomAD no frequency). This variant has not been reported in the literature in individuals affected with ALK-related conditions. ClinVar contains an entry for this variant (Variation ID: 656562). An algorithm developed to predict the effect of missense changes on protein structure and function (PolyPhen-2) suggests that this variant is likely to be disruptive. In summary, the available evidence is currently insufficient to determine the role of this variant in disease. Therefore, it has been classified as a Variant of Uncertain Significance.